The following is an entry in ClinVar:

ClinVar aggregate classification (germline): Uncertain significance (1 of 4 stars; one submission).

Allele frequency attached by ClinVar (database versions not stated): gnomAD exomes below 0.00001; TOPMed 0.00001; gnomAD 0.00002.
gnomAD v4.1: 5 of 1,612,714 alleles (0.00031%); highest among the groups gnomAD compares: Non-Finnish European, 0.00042%; no homozygotes.

Submission:

Labcorp Genetics (formerly Invitae), Labcorp
Classification: Uncertain significance. Last evaluated: 2022-07-30. Review status: criteria provided, single submitter. Criteria: Invitae Variant Classification Sherloc (09022015). Collection method: clinical testing. Allele origin: germline.
Comment: This sequence change replaces serine, which is neutral and polar, with asparagine, which is neutral and polar, at codon 675 of the CLCN6 protein (p.Ser675Asn). This variant is present in population databases (no rsID available, gnomAD 0.01%). This variant has not been reported in the literature in individuals affected with CLCN6-related conditions. Algorithms developed to predict the effect of missense changes on protein structure and function (SIFT, PolyPhen-2, Align-GVGD) all suggest that this variant is likely to be tolerated. In summary, the available evidence is currently insufficient to determine the role of this variant in disease. Therefore, it has been classified as a Variant of Uncertain Significance.

NM_001286.5(CLCN6):c.2024G>A (p.Ser675Asn)

Gene: CLCN6 (chloride voltage-gated channel 6; plus strand). Cytogenetic location: 1p36.22.
Variant type: single nucleotide variant.
Coding change: c.2024G>A on transcript NM_001286.5 (MANE Select); coding-DNA position 2024, G replaced by A.
Protein change: p.Ser675Asn; replaces serine 675 with asparagine.
Molecular consequence: missense variant. On other transcripts: non-coding transcript variant (1).
Genome position (GRCh38, 1-based): chr1:11,837,042, G>A. VCF-style: chr1-11837042-G-A. GRCh37 (hg19) VCF-style: chr1-11897099-G-A.
Other names: c.1958G>A, p.Ser653Asn (NM_001256959.2); short protein forms S653N, S675N.
Identifiers: ClinVar variation 1936189 (VCV001936189.5), dbSNP rs1158807520, ClinGen allele CA338439455.
Genomic context (GRCh38, chr1:11,837,042, plus strand): 5'-GGCCTCCCCACCCACAGAAATCCAGCATCCTCACCCGGGCTGGCGAGCAGCGCAAACGGA[G>A]CCAGTCCATGAAGTCCTACCCATCCAGCGAGCTACGGAACATGTGTGATGAGCACATCGC-3'
Protein context (NP_001277.2, residues 665-685): LTRAGEQRKR[Ser675Asn]QSMKSYPSSE